The following is an entry in ClinVar:

NM_018965.4(TREM2):c.134G>A (p.Gly45Glu)

Gene: TREM2 (triggering receptor expressed on myeloid cells 2; minus strand). Cytogenetic location: 6p21.1.
Variant type: single nucleotide variant.
Coding change: c.134G>A on transcript NM_018965.4 (MANE Select); coding-DNA position 134, G replaced by A.
Protein change: p.Gly45Glu; replaces glycine 45 with glutamic acid.
Molecular consequence: missense variant.
Genome position (GRCh38, 1-based): chr6:41,161,520, C>T on the plus strand (G>A on the coding strand, the complement: TREM2 is on the minus strand). VCF-style: chr6-41161520-C-T. GRCh37 (hg19) VCF-style: chr6-41129258-C-T.
Other names: c.134G>A, p.Gly45Glu (NM_001271821.2); short protein forms G45E.
Identifiers: ClinVar variation 1963201 (VCV001963201.5), dbSNP rs2532388602, ClinGen allele CA364059175.

ClinVar aggregate classification (germline): Uncertain significance (1 of 4 stars; one submission).

Submission:

Labcorp Genetics (formerly Invitae), Labcorp
Classification: Uncertain significance. Last evaluated: 2022-03-06. Review status: criteria provided, single submitter. Criteria: Invitae Variant Classification Sherloc (09022015). Collection method: clinical testing. Allele origin: germline.
Comment: In summary, the available evidence is currently insufficient to determine the role of this variant in disease. Therefore, it has been classified as a Variant of Uncertain Significance. This sequence change replaces glycine, which is neutral and non-polar, with glutamic acid, which is acidic and polar, at codon 45 of the TREM2 protein (p.Gly45Glu). This variant is not present in population databases (gnomAD no frequency). This variant has not been reported in the literature in individuals affected with TREM2-related conditions. Algorithms developed to predict the effect of missense changes on protein structure and function are either unavailable or do not agree on the potential impact of this missense change (SIFT: "Tolerated"; PolyPhen-2: "Probably Damaging"; Align-GVGD: "Class C0").